The following is an entry in ClinVar:

NM_001903.5(CTNNA1):c.1361C>T (p.Ala454Val)

Gene: CTNNA1 (catenin alpha 1; plus strand). Cytogenetic location: 5q31.2.
Variant type: single nucleotide variant.
Coding change: c.1361C>T on transcript NM_001903.5 (MANE Select); coding-DNA position 1361, C replaced by T.
Protein change: p.Ala454Val; replaces alanine 454 with valine.
Molecular consequence: missense variant. On other transcripts: 5 prime UTR variant (4), intron variant (3).
Genome position (GRCh38, 1-based): chr5:138,904,413, C>T. VCF-style: chr5-138904413-C-T. GRCh37 (hg19) VCF-style: chr5-138240102-C-T.
Other names: c.251C>T, p.Ala84Val (NM_001324004.1, NM_001324005.1, NM_001290312.1 and 17 more transcripts); c.-147C>T (NM_001324006.1, NM_001324007.1, NM_001324008.1 and 1 more transcripts); c.187-13329C>T (NM_001324011.1); c.-60-13329C>T (NM_001324010.1); c.8C>T, p.Ala3Val (NM_001324012.1, NM_001324013.1); c.1297-13329C>T (NM_001323986.2); c.1361C>T, p.Ala454Val (NM_001290307.3, NM_001323982.2, NM_001323983.1 and 2 more transcripts); c.1052C>T, p.Ala351Val (NM_001290309.3); and 1 more; short protein forms A331V, A3V, A454V, A351V, A84V.
Identifiers: ClinVar variation 643963 (VCV000643963.14), dbSNP rs777109167, ClinGen allele CA3431927.
Genomic context (GRCh38, chr5:138,904,413, plus strand): 5'-CCAACTTGGCCTGTTCCATCTCAAATAATGAAGAAGGTGTAAAGCTTGTTCGAATGTCTG[C>T]AAGCCAGTTAGAAGCCCTCTGTCCTCAGGTAAAGTACAACTGACACTGGTGACAGCATAA-3'
Protein context (NP_001894.2, residues 444-464): EEGVKLVRMS[Ala454Val]SQLEALCPQV

ClinVar aggregate classification (germline): Uncertain significance. Review status: criteria provided, multiple submitters, no conflicts (2 of 4 stars). 2 submissions from 2 submitters: Uncertain significance (2). Last evaluated 2026-01-26.

Conditions:
Hereditary cancer-predisposing syndrome. Also called: Neoplastic Syndromes, Hereditary; Tumor predisposition; Hereditary neoplastic syndrome; Hereditary Cancer Syndrome. Identifiers: Orphanet 140162, MedGen C0027672, MeSH D009386, MONDO:0015356.

Allele frequency attached by ClinVar (database versions not stated): ExAC 0.00001; gnomAD 0.00001; gnomAD exomes 0.00001; TOPMed 0.00001.
gnomAD v4.1: 8 of 1,613,986 alleles (0.0005%); highest among the groups gnomAD compares: Non-Finnish European, 0.00068%; no homozygotes.

Submissions (2):

Labcorp Genetics (formerly Invitae), Labcorp
Classification: Uncertain significance. Last evaluated: 2026-01-26. Review status: criteria provided, single submitter. Criteria: Invitae Variant Classification Sherloc (09022015). Collection method: clinical testing. Allele origin: germline.
Comment: This sequence change replaces alanine, which is neutral and non-polar, with valine, which is neutral and non-polar, at codon 454 of the CTNNA1 protein (p.Ala454Val). This variant is present in population databases (rs777109167, gnomAD 0.002%). This variant has not been reported in the literature in individuals affected with CTNNA1-related conditions. ClinVar contains an entry for this variant (Variation ID: 643963). Invitae Evidence Modeling of protein sequence and biophysical properties (such as structural, functional, and spatial information, amino acid conservation, physicochemical variation, residue mobility, and thermodynamic stability) indicates that this missense variant is not expected to disrupt CTNNA1 protein function with a negative predictive value of 80%. In summary, the available evidence is currently insufficient to determine the role of this variant in disease. Therefore, it has been classified as a Variant of Uncertain Significance.

Ambry Genetics
Classification: Uncertain significance for Hereditary cancer-predisposing syndrome. Last evaluated: 2024-06-17. Review status: criteria provided, single submitter. Criteria: Ambry Variant Classification Scheme 2023. Collection method: clinical testing. Allele origin: germline.
Comment: The p.A454V variant (also known as c.1361C>T), located in coding exon 9 of the CTNNA1 gene, results from a C to T substitution at nucleotide position 1361. The alanine at codon 454 is replaced by valine, an amino acid with similar properties. This amino acid position is highly conserved in available vertebrate species. In addition, the in silico prediction for this alteration is inconclusive. The evidence for this gene-disease relationship is limited; therefore, the clinical significance of this alteration is unclear.